The following is an entry in ClinVar:

ClinVar aggregate classification (germline): Uncertain significance (1 of 4 stars; one submission).

Conditions:
Aicardi-Goutieres syndrome 7 (AGS7). Identifiers: Orphanet 51, MedGen C3888244, MONDO:0014367, OMIM 615846.
Singleton-Merten syndrome 1 (SGMRT1). Also called: Widened medullary cavities of bone, aortic calcification, abnormal dentition, and muscular weakness; Syndrome of widened medullary cavities of the metacarpals and phalanges, aortic calcification and abnormal dentition. Identifiers: Orphanet 85191, MedGen C4225427, MONDO:0024535, OMIM 182250.

gnomAD v4.1: 3 of 1,614,204 alleles (0.00019%); highest among the groups gnomAD compares: Admixed American, 0.005%; no homozygotes.

Submission:

Labcorp Genetics (formerly Invitae), Labcorp
Classification: Uncertain significance for Aicardi-Goutieres syndrome 7; Singleton-Merten syndrome 1. Last evaluated: 2025-05-22. Review status: criteria provided, single submitter. Criteria: Invitae Variant Classification Sherloc (09022015). Collection method: clinical testing. Allele origin: germline.
Comment: This sequence change replaces glycine, which is neutral and non-polar, with alanine, which is neutral and non-polar, at codon 74 of the IFIH1 protein (p.Gly74Ala). This variant is present in population databases (no rsID available, gnomAD 0.003%). This variant has not been reported in the literature in individuals affected with IFIH1-related conditions. Invitae Evidence Modeling of protein sequence and biophysical properties (such as structural, functional, and spatial information, amino acid conservation, physicochemical variation, residue mobility, and thermodynamic stability) has been performed for this missense variant. However, the output from this modeling did not meet the statistical confidence thresholds required to predict the impact of this variant on IFIH1 protein function. In summary, the available evidence is currently insufficient to determine the role of this variant in disease. Therefore, it has been classified as a Variant of Uncertain Significance.

NM_022168.4(IFIH1):c.221G>C (p.Gly74Ala)

Gene: IFIH1 (interferon induced with helicase C domain 1; minus strand). Cytogenetic location: 2q24.2.
Variant type: single nucleotide variant.
Coding change: c.221G>C on transcript NM_022168.4 (MANE Select); coding-DNA position 221, G replaced by C.
Protein change: p.Gly74Ala; replaces glycine 74 with alanine.
Molecular consequence: missense variant.
Genome position (GRCh38, 1-based): chr2:162,318,087, C>G on the plus strand (G>C on the coding strand, the complement: IFIH1 is on the minus strand). VCF-style: chr2-162318087-C-G. GRCh37 (hg19) VCF-style: chr2-163174597-C-G.
Other names: short protein forms G74A.
Identifiers: ClinVar variation 4792596 (VCV004792596.1).
Genomic context (GRCh38, chr2:162,318,087, plus strand): 5'-TAGCGGGCGGCCAGAGGGCTGCCGGTTCTCCGGAGGGCCTCCACGAATTCCCGAGTCCAA[C>G]CAAGGTGCCAGACTCCCTTCTCCAAGGTGCTCAGCAGCAGTTCAACTGCCTGCATGTTCC-3'
Protein context (NP_071451.2, residues 64-84): STLEKGVWHL[Gly74Ala]WTREFVEALR